The following is an entry in ClinVar:

ClinVar aggregate classification (germline): Pathogenic (1 of 4 stars; one submission).

Conditions:
Fabry disease. Also called: ALPHA-GALACTOSIDASE A DEFICIENCY; ANDERSON-FABRY DISEASE; CERAMIDE TRIHEXOSIDASE DEFICIENCY; GLA DEFICIENCY; HEREDITARY DYSTOPIC LIPIDOSIS; Angiokeratoma corporis diffusum. Identifiers: Orphanet 324, MedGen C0002986, MONDO:0010526, OMIM 301500, HP:0001071. Disease mechanism: Fabry disease is due to inactivating mutations in the X-linked GLA gene resulting in deficiency of the enzyme Alpha Galactosidase-A., loss of function.

Submission:

Genomenon, Inc
Classification: Pathogenic for Fabry disease. Last evaluated: 2026-09-08. Review status: criteria provided, single submitter. Criteria: Genomenon Sequence Variant Interpretation Standards - Updated. Collection method: curation. Allele origin: germline. Affected: yes.
Comment: GLA p.Leu54Pro (c.161T>C) is a missense variant that changes the amino acid at codon 54 from Leucine to Proline. This variant has been observed in at least one proband with clinical features consistent with Fabry disease (PMID:30677769;38002959;20022777). The variant was found to segregate with disease in at least one affected family (PMID:30677769;38002959). At least one functional study has demonstrated a substantial alteration in protein function relative to the wild-type (PMID:27657681). It is absent or not present at a significant frequency in gnomAD. In silico models predict that this variant is possibly or probably damaging. In conclusion, we classify GLA p.Leu54Pro (c.161T>C) as a pathogenic variant.

Literature cited by the submitters: PubMed 30677769; PubMed 38002959; PubMed 20022777; PubMed 27657681.

NM_000169.3(GLA):c.161T>C (p.Leu54Pro)

Genes: GLA (galactosidase alpha; minus strand), RPL36A-HNRNPH2 (RPL36A-HNRNPH2 readthrough; plus strand). Cytogenetic location: Xq22.1.
Variant type: single nucleotide variant.
Coding change: c.161T>C on transcript NM_000169.3 (MANE Select); coding-DNA position 161, T replaced by C.
Protein change: p.Leu54Pro; replaces leucine 54 with proline.
Molecular consequence: missense variant. On other transcripts: non-coding transcript variant (3), intron variant (2).
Genome position (GRCh38, 1-based): chrX:101,407,743, A>G on the plus strand (T>C on the coding strand, the complement: GLA is on the minus strand). VCF-style: chrX-101407743-A-G. GRCh37 (hg19) VCF-style: chrX-100662731-A-G.
Other names: c.161T>C, p.Leu54Pro (NM_001406747.1, NM_001406748.1, NM_001406749.1); c.301-4193A>G (NM_001199973.2); c.178-4193A>G (NM_001199974.2); short protein forms L54P.
Identifiers: ClinVar variation 4087290 (VCV004087290.2).